The following is an entry in ClinVar:

NC_000016.9:g.(?_136684)_(188286_?)del

Gene: NPRL3 (NPR3 like, GATOR1 complex subunit; minus strand). Cytogenetic location: 16p13.3.
Variant type: Deletion.
Identifiers: ClinVar variation 583997 (VCV000583997.2).

ClinVar aggregate classification (germline): Pathogenic (1 of 4 stars; one submission).

Conditions:
Epilepsy, familial focal, with variable foci 3 (FFEVF3). Identifiers: MedGen C4310708, MONDO:0014925, OMIM 617118.

Submission:

Labcorp Genetics (formerly Invitae), Labcorp
Classification: Pathogenic for Epilepsy, familial focal, with variable foci 3. Last evaluated: 2019-11-21. Review status: criteria provided, single submitter. Criteria: Invitae Variant Classification Sherloc (09022015). Collection method: clinical testing. Allele origin: germline.
Comment: A gross deletion of the genomic region encompassing the full coding sequence of the NPRL3 gene has been identified. The boundaries of this event are unknown as the deletion extends beyond the assayed region for this gene and therefore may encompass additional genes. This variant has not been reported in the literature in individuals with NPRL3-related disease. Loss-of-function variants in NPRL3 are known to be pathogenic (PMID: 26285051, 26505888). For these reasons, this variant has been classified as Pathogenic.